The following is an entry in ClinVar:

ClinVar aggregate classification (germline): Conflicting classifications of pathogenicity. Review status: criteria provided, conflicting classifications (1 of 4 stars). 2 submissions from 2 submitters: Uncertain significance (1); Likely benign (1). Last evaluated 2025-01-03.

gnomAD v4.1: 55 of 1,613,634 alleles (0.0034%); highest among the groups gnomAD compares: Non-Finnish European, 0.0041%; no homozygotes.

Submissions (2):

Athena Diagnostics
Classification: Uncertain significance. Last evaluated: 2025-01-03. Review status: criteria provided, single submitter. Criteria: Athena Diagnostics Criteria. Collection method: clinical testing. Allele origin: unknown.
Comment: Available data are insufficient to determine the clinical significance of the variant at this time. The frequency of this variant in the general population is uninformative in assessment of its pathogenicity. Computational tools yielded predictions that this variant is unlikely to have an effect on normal RNA splicing.

Labcorp Genetics (formerly Invitae), Labcorp
Classification: Likely benign. Last evaluated: 2024-03-07. Review status: criteria provided, single submitter. Criteria: Invitae Variant Classification Sherloc (09022015). Collection method: clinical testing. Allele origin: germline.

NM_005529.7(HSPG2):c.7158+7G>A

Gene: HSPG2 (heparan sulfate proteoglycan 2; minus strand). Cytogenetic location: 1p36.12.
Variant type: single nucleotide variant.
Coding change: c.7158+7G>A on transcript NM_005529.7 (MANE Select); 7 bases into the intron after coding-DNA position 7158, G replaced by A.
Molecular consequence: intron variant.
Genome position (GRCh38, 1-based): chr1:21,851,539, C>T on the plus strand (G>A on the coding strand, the complement: HSPG2 is on the minus strand). VCF-style: chr1-21851539-C-T. GRCh37 (hg19) VCF-style: chr1-22178032-C-T.
Other names: c.7158+7G>A (NM_005529.6); c.7161+7G>A (NM_001291860.2).
Identifiers: ClinVar variation 3622276 (VCV003622276.3).
Genomic context (GRCh38, chr1:21,851,539, plus strand): 5'-CCCAATAACCTCCGCCACCCAGGGACCCGCTTCCTCTTCTTGGCCTGTCTGTCCTCCAGT[C>T]CCATACCTGGTGCCGGACAGGGAGGCTGCCCCCACGCTTGTGCCACGTGACCTGGGCATG-3'